The following is an entry in ClinVar:

ClinVar aggregate classification (germline): Uncertain significance. Review status: criteria provided, multiple submitters, no conflicts (2 of 4 stars). 2 submissions from 2 submitters: Uncertain significance (2). Last evaluated 2026-09-08.

Conditions:
Familial thoracic aortic aneurysm and aortic dissection (TAAD). Also called: Thoracic aortic aneurysms and dissections. Identifiers: Orphanet 91387, MedGen C4707243, MONDO:0019625.

Allele frequency attached by ClinVar (database versions not stated): gnomAD exomes below 0.00001; ExAC 0.00001; ESP Exome Variant Server 0.00008.

Submissions (2):

Ambry Genetics
Classification: Uncertain significance for Familial thoracic aortic aneurysm and aortic dissection. Last evaluated: 2026-09-08. Review status: criteria provided, single submitter. Criteria: Ambry Variant Classification Scheme 2023. Collection method: clinical testing. Allele origin: germline.
Comment: The p.N194D variant (also known as c.580A>G), located in coding exon 5 of the CBS gene, results from an A to G substitution at nucleotide position 580. The asparagine at codon 194 is replaced by aspartic acid, an amino acid with highly similar properties. This amino acid position is not well conserved in available vertebrate species. In addition, this alteration is predicted to be tolerated by in silico analysis. Based on the available evidence, the clinical significance of this variant remains unclear.

GeneDx
Classification: Uncertain significance. Last evaluated: 2024-11-07. Review status: criteria provided, single submitter. Criteria: GeneDx Variant Classification Process June 2021. Collection method: clinical testing. Allele origin: germline. Affected: yes.
Comment: Has not been previously published as pathogenic or benign to our knowledge; In silico analysis indicates that this missense variant does not alter protein structure/function; Not observed at significant frequency in large population cohorts (gnomAD)

NM_000071.3(CBS):c.580A>G (p.Asn194Asp)

Gene: CBS (cystathionine beta-synthase; minus strand). Cytogenetic location: 21q22.3.
Variant type: single nucleotide variant.
Coding change: c.580A>G on transcript NM_000071.3 (MANE Select); coding-DNA position 580, A replaced by G.
Protein change: p.Asn194Asp; replaces asparagine 194 with aspartic acid.
Molecular consequence: missense variant.
Genome position (GRCh38, 1-based): chr21:43,065,473, T>C on the plus strand (A>G on the coding strand, the complement: CBS is on the minus strand). VCF-style: chr21-43065473-T-C. GRCh37 (hg19) VCF-style: chr21-44485583-T-C.
Other names: c.580A>G, p.Asn194Asp (NM_001178008.3, NM_001178009.3, NM_001320298.2); c.265A>G, p.Asn89Asp (NM_001321072.1); short protein forms N194D, N89D.
Identifiers: ClinVar variation 1327631 (VCV001327631.4), dbSNP rs370089875, ClinGen allele CA321096051.